The following is an entry in ClinVar:

ClinVar aggregate classification (germline): Likely pathogenic. Review status: criteria provided, single submitter (1 of 4 stars). 2 submissions from 2 submitters: Likely pathogenic (1). 1 of the submissions does not count toward it. Last evaluated 2026-09-30.

Conditions:
TWIST1-related craniosynostosis (CRS1). Also called: CRANIOSYNOSTOSIS 1. Identifiers: Orphanet 63440, MedGen C4551902, MONDO:0007399, OMIM 123100. Inheritance: Heterogenous inheritance pattern.

Submissions (2):

GeneDx
Classification: Likely pathogenic. Last evaluated: 2026-09-30. Review status: criteria provided, single submitter. Criteria: GeneDx Variant Classification Process June 2021. Collection method: clinical testing. Allele origin: germline.
Comment: Not observed at significant frequency in large population cohorts (gnomAD); In silico analysis supports that this missense variant has a deleterious effect on protein structure/function; Has not been previously published as pathogenic or benign to our knowledge

Seattle Children's Hospital Molecular Genetics Laboratory, Seattle Children's Hospital
Classification: Uncertain significance for TWIST1-related craniosynostosis. Review status: no assertion criteria provided. Collection method: clinical testing. Allele origin: germline. Affected: yes. Not counted in ClinVar's aggregate classification.

NM_000474.4(TWIST1):c.451C>G (p.Leu151Val)

Genes: TWIST1 (twist family bHLH transcription factor 1; minus strand), LOC129998021 (ATAC-STARR-seq lymphoblastoid active region 25682; plus strand). Cytogenetic location: 7p21.1.
Variant type: single nucleotide variant.
Coding change: c.451C>G on transcript NM_000474.4 (MANE Select); coding-DNA position 451, C replaced by G.
Protein change: p.Leu151Val; replaces leucine 151 with valine.
Molecular consequence: missense variant. On other transcripts: non-coding transcript variant (1).
Genome position (GRCh38, 1-based): chr7:19,116,871, G>C on the plus strand (C>G on the coding strand, the complement: TWIST1 is on the minus strand). VCF-style: chr7-19116871-G-C. GRCh37 (hg19) VCF-style: chr7-19156494-G-C.
Other names: short protein forms L151V.
Identifiers: ClinVar variation 1304352 (VCV001304352.4), dbSNP rs2115396601, ClinGen allele CA367015408.